The following is an entry in ClinVar:

ClinVar aggregate classification (germline): Uncertain significance. Review status: criteria provided, multiple submitters, no conflicts (2 of 4 stars). 2 submissions from 2 submitters: Uncertain significance (2). Last evaluated 2022-02-18.

Allele frequency attached by ClinVar (database versions not stated): ExAC 0.00002; gnomAD 0.00003 and 0.00004; gnomAD exomes 0.00003; TOPMed 0.00003.

Submissions (2):

Blueprint Genetics
Classification: Uncertain significance. Last evaluated: 2022-02-18. Review status: criteria provided, single submitter. Criteria: ACMG Guidelines, 2015. Collection method: clinical testing. Allele origin: germline.

Labcorp Genetics (formerly Invitae), Labcorp
Classification: Uncertain significance. Last evaluated: 2022-02-09. Review status: criteria provided, single submitter. Criteria: Invitae Variant Classification Sherloc (09022015). Collection method: clinical testing. Allele origin: germline.
Comment: This sequence change replaces arginine, which is basic and polar, with tryptophan, which is neutral and slightly polar, at codon 445 of the DHX38 protein (p.Arg445Trp). This variant is present in population databases (rs758101714, gnomAD 0.008%). This variant has not been reported in the literature in individuals affected with DHX38-related conditions. ClinVar contains an entry for this variant (Variation ID: 838991). Algorithms developed to predict the effect of missense changes on protein structure and function (SIFT, PolyPhen-2, Align-GVGD) all suggest that this variant is likely to be disruptive. In summary, the available evidence is currently insufficient to determine the role of this variant in disease. Therefore, it has been classified as a Variant of Uncertain Significance.

NM_014003.4(DHX38):c.1333C>T (p.Arg445Trp)

Gene: DHX38 (DEAH-box helicase 38; plus strand). Cytogenetic location: 16q22.2.
Variant type: single nucleotide variant.
Coding change: c.1333C>T on transcript NM_014003.4 (MANE Select); coding-DNA position 1333, C replaced by T.
Protein change: p.Arg445Trp; replaces arginine 445 with tryptophan.
Molecular consequence: missense variant.
Genome position (GRCh38, 1-based): chr16:72,101,140, C>T. VCF-style: chr16-72101140-C-T. GRCh37 (hg19) VCF-style: chr16-72135039-C-T.
Other names: short protein forms R445W.
Identifiers: ClinVar variation 838991 (VCV000838991.8), dbSNP rs758101714, ClinGen allele CA8160281.